The following is an entry in ClinVar:

NM_000037.4(ANK1):c.814G>T (p.Glu272Ter)

Gene: ANK1 (ankyrin 1; minus strand). Cytogenetic location: 8p11.21.
Variant type: single nucleotide variant.
Coding change: c.814G>T on transcript NM_000037.4 (MANE Select); coding-DNA position 814, G replaced by T.
Protein change: p.Glu272Ter; replaces glutamic acid 272 with a stop codon.
Molecular consequence: nonsense.
Genome position (GRCh38, 1-based): chr8:41,723,220, C>A on the plus strand (G>T on the coding strand, the complement: ANK1 is on the minus strand). VCF-style: chr8-41723220-C-A. GRCh37 (hg19) VCF-style: chr8-41580738-C-A.
Other names: p.Glu272*; c.814G>T (NM_000037.3); c.913G>T, p.Glu305Ter (NM_001142446.2); c.814G>T, p.Glu272Ter (NM_020475.3, NM_020476.3, NM_020477.3); short protein forms E272*, E305*.
Identifiers: ClinVar variation 1917820 (VCV001917820.11), dbSNP rs376057905, ClinGen allele CA371042186.
Genomic context (GRCh38, chr8:41,723,220, plus strand): 5'-GCAGGATCTCTGAGATTCGCACGTGCCCATTTCGAGCTGCACAGTGGAGAGGTGTCAATT[C>A]GTCCTTTAAAAGACAGAGTCAAAAACAGAAAGCCCAAAAGGCAGCTATCAGAGGCCATTT-3'

ClinVar aggregate classification (germline): Pathogenic. Review status: criteria provided, multiple submitters, no conflicts (2 of 4 stars). 5 submissions from 5 submitters: Pathogenic (5). Last evaluated 2024-02-21.

Conditions:
Hereditary spherocytosis type 1. Also called: Spherocytosis type 1; ANK1-Related Spherocytosis. Identifiers: Orphanet 822, MedGen C2674218, MONDO:0008447, OMIM 182900.

Submissions (5):

ARUP Laboratories, Molecular Genetics and Genomics, ARUP Laboratories
Classification: Pathogenic for Hereditary spherocytosis type 1. Last evaluated: 2024-02-21. Review status: criteria provided, single submitter. Criteria: ARUP Molecular Germline Variant Investigation Process 2024. Collection method: clinical testing. Allele origin: germline.
Comment: The ANK1 c.814G>T; p.Glu272* variant is reported in the literature in individuals affected with spherocytosis (Aggarwal 2020, Tole 2020). This variant is also reported in ClinVar (Variation ID: 1917820). This variant is absent from the Genome Aggregation Database (v2.1.1), indicating it is not a common polymorphism. This variant induces an early termination codon and is predicted to result in a truncated protein or mRNA subject to nonsense-mediated decay. Based on available information, this variant is considered to be pathogenic. References: Aggarwal A et al. Deciphering molecular heterogeneity of Indian families with hereditary spherocytosis using targeted next-generation sequencing: First South Asian study. Br J Haematol. 2020 Mar. PMID: 31602632. Tole S et al. Genotype-phenotype correlation in children with hereditary spherocytosis. Br J Haematol. 2020 Nov. PMID: 32436265.

Revvity Omics, Revvity
Classification: Pathogenic for Hereditary spherocytosis type 1. Last evaluated: 2023-08-03. Review status: criteria provided, single submitter. Criteria: ACMG Guidelines, 2015. Collection method: clinical testing. Allele origin: germline.

Mayo Clinic Laboratories, Mayo Clinic
Classification: Pathogenic. Last evaluated: 2023-01-17. Review status: criteria provided, single submitter. Criteria: ACMG Guidelines, 2015. Collection method: clinical testing. Allele origin: germline. Observed: 1 variant allele.
Comment: PM2, PM6, PS4_moderate, PVS1

Labcorp Genetics (formerly Invitae), Labcorp
Classification: Pathogenic. Last evaluated: 2022-09-29. Review status: criteria provided, single submitter. Criteria: Invitae Variant Classification Sherloc (09022015). Collection method: clinical testing. Allele origin: germline.
Comment: For these reasons, this variant has been classified as Pathogenic. Algorithms developed to predict the effect of sequence changes on RNA splicing suggest that this variant may create or strengthen a splice site. This variant is also known as c.913G>T (p.Glu305Ter). This premature translational stop signal has been observed in individual(s) with hereditary spherocytosis (PMID: 31602632, 32436265). This variant is not present in population databases (gnomAD no frequency). This sequence change creates a premature translational stop signal (p.Glu272*) in the ANK1 gene. It is expected to result in an absent or disrupted protein product. Loss-of-function variants in ANK1 are known to be pathogenic (PMID: 8640229).

Juno Genomics, Hangzhou Juno Genomics, Inc
Classification: Pathogenic for Hereditary spherocytosis type 1. Review status: criteria provided, single submitter. Criteria: ACMG Guidelines, 2015. Collection method: clinical testing. Allele origin: germline. Affected: yes.
Comment: Null variant in a gene where loss of function (LOF) is a known mechanism of disease.;Absent from controls (or at extremely low frequency if recessive) in Genome Aggregation Database, Exome Sequencing Project, 1000 Genomes Project, or Exome Aggregation Consortium.;The prevalence of the variant in affected individuals is significantly increased compared to the prevalence in controls.;Assumed de novo, but without confirmation of paternity and maternity.

Literature cited by the submitters: PubMed 31602632 (cited by Labcorp Genetics (formerly Invitae), Labcorp); PubMed 32436265 (cited by Labcorp Genetics (formerly Invitae), Labcorp); PubMed 8640229 (cited by Labcorp Genetics (formerly Invitae), Labcorp).